The following is an entry in ClinVar:

NM_058216.3(RAD51C):c.905-6T>A

Gene: RAD51C (RAD51 paralog C; plus strand). Cytogenetic location: 17q22.
Variant type: single nucleotide variant.
Coding change: c.905-6T>A on transcript NM_058216.3 (MANE Select); 6 bases into the intron before coding-DNA position 905, T replaced by A.
Molecular consequence: intron variant.
Genome position (GRCh38, 1-based): chr17:58,724,034, T>A. VCF-style: chr17-58724034-T-A. GRCh37 (hg19) VCF-style: chr17-56801395-T-A.
Identifiers: ClinVar variation 4699629 (VCV004699629.1).

ClinVar aggregate classification (germline): Uncertain significance (1 of 4 stars; one submission).

Conditions:
Fanconi anemia complementation group O. Also called: RAD51C-Related Fanconi Anemia. Identifiers: Orphanet 84, MedGen C3150653, MONDO:0013248, OMIM 613390.

Submission:

Labcorp Genetics (formerly Invitae), Labcorp
Classification: Uncertain significance for Fanconi anemia complementation group O. Last evaluated: 2025-02-25. Review status: criteria provided, single submitter. Criteria: Invitae Variant Classification Sherloc (09022015). Collection method: clinical testing. Allele origin: germline.
Comment: This sequence change falls in intron 6 of the RAD51C gene. It does not directly change the encoded amino acid sequence of the RAD51C protein. This variant is not present in population databases (gnomAD no frequency). This variant has not been reported in the literature in individuals affected with RAD51C-related conditions. Algorithms developed to predict the effect of sequence changes on RNA splicing suggest that this variant may disrupt the consensus splice site. In summary, the available evidence is currently insufficient to determine the role of this variant in disease. Therefore, it has been classified as a Variant of Uncertain Significance.